The following is an entry in ClinVar:

ClinVar aggregate classification (germline): Uncertain significance. Review status: criteria provided, multiple submitters, no conflicts (2 of 4 stars). 2 submissions from 2 submitters: Uncertain significance (2). Last evaluated 2023-12-13.

Conditions:
Tuberous sclerosis 2 (TSC2). Identifiers: Orphanet 805, MedGen C1860707, MONDO:0013199, OMIM 613254.
Tuberous sclerosis syndrome (TSC). Also called: Tuberous Sclerosis Complex; Tuberous sclerosis. Identifiers: Orphanet 805, MedGen C0041341, MONDO:0001734.

Submissions (2):

All of Us Research Program, National Institutes of Health
Classification: Uncertain significance for Tuberous sclerosis syndrome. Last evaluated: 2023-12-13. Review status: criteria provided, single submitter. Criteria: ACMG Guidelines, 2015. Collection method: clinical testing. Allele origin: germline. Inheritance: Autosomal dominant inheritance. Observed: 1 variant allele, 1 heterozygote.
Comment: This missense variant replaces proline with leucine at codon 842 of the TSC2 protein. Computational prediction suggests that this variant may have deleterious impact on protein structure and function (internally defined REVEL score threshold >= 0.7, PMID: 27666373). To our knowledge, functional studies have not been reported for this variant. This variant has not been reported in individuals affected with TSC2-related disorders in the literature. This variant has not been identified in the general population by the Genome Aggregation Database (gnomAD). The available evidence is insufficient to determine the role of this variant in disease conclusively. Therefore, this variant is classified as a Variant of Uncertain Significance.

This study involves interpretation of variants in research participants for the purpose of population health screening. Participant phenotype was not available at the time of variant classification. Additional details can be found in publication PMID: 35346344, PMCID: PMC8962531

Labcorp Genetics (formerly Invitae), Labcorp
Classification: Uncertain significance for Tuberous sclerosis 2. Last evaluated: 2022-10-13. Review status: criteria provided, single submitter. Criteria: Invitae Variant Classification Sherloc (09022015). Collection method: clinical testing. Allele origin: germline.
Comment: In summary, the available evidence is currently insufficient to determine the role of this variant in disease. Therefore, it has been classified as a Variant of Uncertain Significance. Advanced modeling of protein sequence and biophysical properties (such as structural, functional, and spatial information, amino acid conservation, physicochemical variation, residue mobility, and thermodynamic stability) has been performed at Invitae for this missense variant, however the output from this modeling did not meet the statistical confidence thresholds required to predict the impact of this variant on TSC2 protein function. ClinVar contains an entry for this variant (Variation ID: 1398712). This variant has not been reported in the literature in individuals affected with TSC2-related conditions. This variant is not present in population databases (gnomAD no frequency). This sequence change replaces proline, which is neutral and non-polar, with leucine, which is neutral and non-polar, at codon 842 of the TSC2 protein (p.Pro842Leu).

NM_000548.5(TSC2):c.2525C>T (p.Pro842Leu)

Gene: TSC2 (TSC complex subunit 2; plus strand). Cytogenetic location: 16p13.3.
Variant type: single nucleotide variant.
Coding change: c.2525C>T on transcript NM_000548.5 (MANE Select); coding-DNA position 2525, C replaced by T.
Protein change: p.Pro842Leu; replaces proline 842 with leucine.
Molecular consequence: missense variant.
Genome position (GRCh38, 1-based): chr16:2,074,369, C>T. VCF-style: chr16-2074369-C-T. GRCh37 (hg19) VCF-style: chr16-2124370-C-T.
Other names: c.2525C>T, p.Pro842Leu (NM_001077183.3, NM_001114382.3, NM_001363528.2 and 3 more transcripts); c.2414C>T, p.Pro805Leu (NM_001318827.2); c.2378C>T, p.Pro793Leu (NM_001318829.2); c.1925C>T, p.Pro642Leu (NM_001318831.2); c.2558C>T, p.Pro853Leu (NM_001318832.2); short protein forms P642L, P805L, P793L, P853L, P842L.
Identifiers: ClinVar variation 1398712 (VCV001398712.9), dbSNP rs2151355682, ClinGen allele CA394277947.